The following is an entry in ClinVar:

ClinVar aggregate classification (germline): Pathogenic. Review status: reviewed by expert panel (3 of 4 stars). 3 submissions from 3 submitters: Pathogenic (1). 2 of the submissions do not count toward it. Last evaluated 2016-09-08.

Conditions:
Hereditary cancer-predisposing syndrome. Also called: Neoplastic Syndromes, Hereditary; Hereditary Cancer Syndrome; Hereditary neoplastic syndrome; Tumor predisposition. Identifiers: Orphanet 140162, MedGen C0027672, MeSH D009386, MONDO:0015356.
Hereditary breast ovarian cancer syndrome. Also called: Hereditary breast and ovarian cancer syndrome; Hereditary breast and/or ovarian cancer syndrome; BRCA1- and BRCA2-Associated Hereditary Breast and Ovarian Cancer; Hereditary breast and ovarian cancer; Breast and ovarian cancer; Hereditary breast and ovarian cancer syndrome (HBOC). Identifiers: Orphanet 145, MedGen C0677776, MeSH D061325, MONDO:0003582. Disease mechanism: loss of function.
Breast-ovarian cancer, familial, susceptibility to, 2 (BROVCA2). Also called: BRCA2 Hereditary Breast and Ovarian Cancer. Identifiers: Orphanet 145, MedGen C2675520, MONDO:0012933, OMIM 612555. Disease mechanism: loss of function.

Submissions (3):

Evidence-based Network for the Interpretation of Germline Mutant Alleles (ENIGMA)
Classification: Pathogenic for Breast-ovarian cancer, familial, susceptibility to, 2. Last evaluated: 2016-09-08. Review status: reviewed by expert panel. Criteria: ENIGMA BRCA1/2 Classification Criteria (2015). Collection method: curation. Allele origin: germline.
Comment: Variant allele predicted to encode a truncated non-functional protein.

Labcorp Genetics (formerly Invitae), Labcorp
Classification: Pathogenic for Hereditary breast ovarian cancer syndrome. Last evaluated: 2024-04-09. Review status: criteria provided, single submitter. Criteria: Invitae Variant Classification Sherloc (09022015). Collection method: clinical testing. Allele origin: germline. Not counted in ClinVar's aggregate classification.
Comment: This sequence change creates a premature translational stop signal (p.Gln2870*) in the BRCA2 gene. It is expected to result in an absent or disrupted protein product. Loss-of-function variants in BRCA2 are known to be pathogenic (PMID: 20104584). This variant is not present in population databases (gnomAD no frequency). This variant has not been reported in the literature in individuals affected with BRCA2-related conditions. ClinVar contains an entry for this variant (Variation ID: 141787). For these reasons, this variant has been classified as Pathogenic.

Ambry Genetics
Classification: Pathogenic for Hereditary cancer-predisposing syndrome. Last evaluated: 2013-10-08. Review status: criteria provided, single submitter. Criteria: Ambry Autosomal Dominant and X-Linked criteria (10/2015). Collection method: clinical testing. Allele origin: germline. Observed: 1 variant allele. Not counted in ClinVar's aggregate classification.
Comment: Ã¢â‚¬â€¹The p.Q2870X pathogenic mutation (also known as c.8608C>T or 8836C>T), located in coding exon 19 of the BRCA2 gene, results from a C to T substitution at nucleotide position 8608. This changes the amino acid from a glutamine to a stop codon within coding exon 19. Since premature stop codons are typically deleterious in nature, this alteration is interpreted as a disease-causing mutation (ACMG Recommendations for Standards for Interpretation and Reporting of Sequence Variations. Revision 2007. Genet Med. 2008;10:294).

Literature cited by the submitters: PubMed 20104584 (cited by Labcorp Genetics (formerly Invitae), Labcorp).

NM_000059.4(BRCA2):c.8608C>T (p.Gln2870Ter)

Gene: BRCA2 (BRCA2 DNA repair associated; plus strand). Cytogenetic location: 13q13.1.
Variant type: single nucleotide variant.
Coding change: c.8608C>T on transcript NM_000059.4 (MANE Select); coding-DNA position 8608, C replaced by T.
Protein change: p.Gln2870Ter; replaces glutamine 2870 with a stop codon.
Molecular consequence: nonsense.
Genome position (GRCh38, 1-based): chr13:32,371,076, C>T. VCF-style: chr13-32371076-C-T. GRCh37 (hg19) VCF-style: chr13-32945213-C-T.
Other names: short protein forms Q2870*.
Identifiers: ClinVar variation 141787 (VCV000141787.8), dbSNP rs587782010, ClinGen allele CA025733.